The following is an entry in ClinVar:

ClinVar aggregate classification (germline): Pathogenic (1 of 4 stars; one submission).

Submission:

Labcorp Genetics (formerly Invitae), Labcorp
Classification: Pathogenic. Last evaluated: 2022-03-03. Review status: criteria provided, single submitter. Criteria: Invitae Variant Classification Sherloc (09022015). Collection method: clinical testing. Allele origin: germline.
Comment: For these reasons, this variant has been classified as Pathogenic. This variant has not been reported in the literature in individuals affected with LIFR-related conditions. This variant is not present in population databases (gnomAD no frequency). This sequence change creates a premature translational stop signal (p.Leu504Ilefs*25) in the LIFR gene. It is expected to result in an absent or disrupted protein product. Loss-of-function variants in LIFR are known to be pathogenic (PMID: 14740318).

Literature cited by the submitters: PubMed 14740318.

NM_001127671.2(LIFR):c.1510_1513del (p.Leu504fs)

Gene: LIFR (LIF receptor subunit alpha; minus strand). Cytogenetic location: 5p13.1.
Variant type: Deletion.
Coding change: c.1510_1513del on transcript NM_001127671.2 (MANE Select); coding-DNA positions 1510 to 1513, 4 bases deleted (CTAT; older notation c.1510_1513delCTAT).
Protein change: p.Leu504fs; shifts the reading frame from leucine 504.
Molecular consequence: frameshift variant.
Genome position (GRCh38, 1-based): chr5:38,502,724-38,502,727, ATAG deleted on the plus strand (CTAT on the coding strand, the reverse complement: LIFR is on the minus strand); deleting any 4 consecutive bases within chr5:38,502,724-38,502,728 gives the same sequence; the c. name uses the placement nearest the transcript's 3' end. VCF-style (leftmost placement, unchanged base first): chr5-38502723-TATAG-T. GRCh37 (hg19) VCF-style: chr5-38502825-TATAG-T.
Other names: c.1510_1513del, p.Leu504fs (NM_001364297.2, NM_001364298.2, NM_002310.6); short protein forms L504fs.
Identifiers: ClinVar variation 2106354 (VCV002106354.4), dbSNP rs2531028797, ClinGen allele CA2580073262.
Genomic context (GRCh38, chr5:38,502,723, plus strand): 5'-TTATTGCTCCATTTGCTCCATTTCCAGAAAGTTTCAGTAGAACAACGAATCCGAAAAGTA[TATAG>T]AGTGTATGGATTTAACTTGTCCAGAGCAACAAGATAACTTGAATTTTCTACTCCTTTGAT-3'